The following is an entry in ClinVar:

NM_000245.4(MET):c.703A>C (p.Ile235Leu)

Gene: MET (MET proto-oncogene, receptor tyrosine kinase; plus strand). Cytogenetic location: 7q31.2.
Variant type: single nucleotide variant.
Coding change: c.703A>C on transcript NM_000245.4 (MANE Select); coding-DNA position 703, A replaced by C.
Protein change: p.Ile235Leu; replaces isoleucine 235 with leucine.
Molecular consequence: missense variant. On other transcripts: intron variant (1).
Genome position (GRCh38, 1-based): chr7:116,699,787, A>C. VCF-style: chr7-116699787-A-C. GRCh37 (hg19) VCF-style: chr7-116339841-A-C.
Other names: c.703A>C, p.Ile235Leu (NM_001127500.3, NM_001324401.3); c.-91+27210A>C (NM_001324402.2); short protein forms I235L.
Identifiers: ClinVar variation 1015143 (VCV001015143.8), dbSNP rs1266863567, ClinGen allele CA368969662.
Genomic context (GRCh38, chr7:116,699,787, plus strand): 5'-TCAGTGAGAAGGCTAAAGGAAACGAAAGATGGTTTTATGTTTTTGACGGACCAGTCCTAC[A>C]TTGATGTTTTACCTGAGTTCAGAGATTCTTACCCCATTAAGTATGTCCATGCCTTTGAAA-3'
Protein context (NP_000236.2, residues 225-245): GFMFLTDQSY[Ile235Leu]DVLPEFRDSY

ClinVar aggregate classification (germline): Uncertain significance (1 of 4 stars; one submission).

Conditions:
Renal cell carcinoma. Identifiers: Orphanet 217071, MedGen C0007134, MeSH D002292, MONDO:0005086, HP:0005584.

Submission:

Labcorp Genetics (formerly Invitae), Labcorp
Classification: Uncertain significance for Renal cell carcinoma. Last evaluated: 2020-05-24. Review status: criteria provided, single submitter. Criteria: Invitae Variant Classification Sherloc (09022015). Collection method: clinical testing. Allele origin: germline.
Comment: In summary, the available evidence is currently insufficient to determine the role of this variant in disease. Therefore, it has been classified as a Variant of Uncertain Significance. Algorithms developed to predict the effect of missense changes on protein structure and function (SIFT, PolyPhen-2, Align-GVGD) all suggest that this variant is likely to be tolerated, but these predictions have not been confirmed by published functional studies and their clinical significance is uncertain. This variant has not been reported in the literature in individuals with MET-related conditions. This variant is not present in population databases (ExAC no frequency). This sequence change replaces isoleucine with leucine at codon 235 of the MET protein (p.Ile235Leu). The isoleucine residue is moderately conserved and there is a small physicochemical difference between isoleucine and leucine.